The following is an entry in ClinVar:

NM_004493.3(HSD17B10):c.323C>T (p.Thr108Ile)

Gene: HSD17B10 (hydroxysteroid 17-beta dehydrogenase 10; minus strand). Cytogenetic location: Xp11.22.
Variant type: single nucleotide variant.
Coding change: c.323C>T on transcript NM_004493.3 (MANE Select); coding-DNA position 323, C replaced by T.
Protein change: p.Thr108Ile; replaces threonine 108 with isoleucine.
Molecular consequence: missense variant.
Genome position (GRCh38, 1-based): chrX:53,432,281, G>A on the plus strand (C>T on the coding strand, the complement: HSD17B10 is on the minus strand). VCF-style: chrX-53432281-G-A. GRCh37 (hg19) VCF-style: chrX-53459229-G-A.
Other names: c.323C>T, p.Thr108Ile (NM_001037811.2); short protein forms T108I.
Identifiers: ClinVar variation 2689225 (VCV002689225.16), dbSNP rs782143488, ClinGen allele CA10421016.
Genomic context (GRCh38, chrX:53,432,281, plus strand): 5'-TCCCTGGAGAACTTCCAAGGCCTTACATCAAGAACTCGCTGGAAGTCTTCCAAGGTATGG[G>A]TCTGGCCCTTCTTTAAGTTGTACGTCTTGCTAGCCACCGCGATGCCTGCACAGTTGACAG-3'
Protein context (NP_004484.1, residues 98-118): SKTYNLKKGQ[Thr108Ile]HTLEDFQRVL

ClinVar aggregate classification (germline): Conflicting classifications of pathogenicity. Review status: criteria provided, conflicting classifications (1 of 4 stars). 4 submissions from 4 submitters: Uncertain significance (3); Likely benign (1). Last evaluated 2026-04-01.

Conditions:
HSD10 mitochondrial disease (HSD10MD). Also called: 2-METHYL-3-HYDROXYBUTYRYL-CoA DEHYDROGENASE DEFICIENCY; HSD10 disease; 2-methyl-3-hydroxybutyric aciduria; HSD10 deficiency; 3H2MBD deficiency; 3-hydroxy-2-methylbutyryl-CoA dehydrogenase deficiency. Identifiers: Orphanet 391417, Orphanet 85295, MedGen C3266731, MONDO:0010327, OMIM 300438. Disease mechanism: loss of function.

Allele frequency attached by ClinVar (database versions not stated): gnomAD exomes 0.00001; TOPMed 0.00003; ExAC 0.00004.
gnomAD v4.1: 11 of 1,210,985 alleles (0.00091%); highest among the groups gnomAD compares: Middle Eastern, 0.023%; no homozygotes.

Submissions (4):

CeGaT Center for Human Genetics Tuebingen
Classification: Likely benign. Last evaluated: 2026-04-01. Review status: criteria provided, single submitter. Criteria: CeGaT Center For Human Genetics Tuebingen Variant Classification Criteria Version 2. Collection method: clinical testing. Allele origin: germline. Affected: yes. Observed: 2 variant alleles.
Comment: HSD17B10: BS2

Women's Health and Genetics/Laboratory Corporation of America, LabCorp
Classification: Uncertain significance. Last evaluated: 2024-01-15. Review status: criteria provided, single submitter. Criteria: LabCorp Variant Classification Summary - May 2015. Collection method: clinical testing. Allele origin: germline.
Comment: Variant summary: HSD17B10 c.323C>T (p.Thr108Ile) results in a non-conservative amino acid change in the encoded protein sequence. Four of five in-silico tools predict a benign effect of the variant on protein function. The variant allele was found at a frequency of 9.1e-06 in 1093225 control chromosomes (gnomAD v4 dataset), including 4 hemizygotes. The presence of the variant in multiple hemizygotes suggests that it is likely not associated with disease. To our knowledge, no occurrence of c.323C>T in individuals affected with 2-Methyl-3-Hydroxybutyric Aciduria and no experimental evidence demonstrating its impact on protein function have been reported. No submitters have cited clinical-significance assessments for this variant to ClinVar. Based on the evidence outlined above, the variant was classified as VUS-possibly benign.

Labcorp Genetics (formerly Invitae), Labcorp
Classification: Uncertain significance. Last evaluated: 2023-10-03. Review status: criteria provided, single submitter. Criteria: Invitae Variant Classification Sherloc (09022015). Collection method: clinical testing. Allele origin: germline.
Comment: This sequence change replaces threonine, which is neutral and polar, with isoleucine, which is neutral and non-polar, at codon 108 of the HSD17B10 protein (p.Thr108Ile). This variant is present in population databases (rs782143488, gnomAD 0.008%). This variant has not been reported in the literature in individuals affected with HSD17B10-related conditions. An algorithm developed to predict the effect of missense changes on protein structure and function (PolyPhen-2) suggests that this variant is likely to be tolerated. In summary, the available evidence is currently insufficient to determine the role of this variant in disease. Therefore, it has been classified as a Variant of Uncertain Significance.

Revvity Omics, Revvity
Classification: Uncertain significance for HSD10 mitochondrial disease. Last evaluated: 2023-08-13. Review status: criteria provided, single submitter. Criteria: ACMG Guidelines, 2015. Collection method: clinical testing. Allele origin: germline.